The following is an entry in ClinVar:

ClinVar aggregate classification (germline): Uncertain significance (1 of 4 stars; one submission).

Conditions:
Hereditary cancer-predisposing syndrome. Also called: Neoplastic Syndromes, Hereditary; Tumor predisposition; Hereditary Cancer Syndrome; Hereditary neoplastic syndrome. Identifiers: Orphanet 140162, MedGen C0027672, MeSH D009386, MONDO:0015356.

Submission:

Ambry Genetics
Classification: Uncertain significance for Hereditary cancer-predisposing syndrome. Last evaluated: 2026-06-02. Review status: criteria provided, single submitter. Criteria: Ambry Variant Classification Scheme 2023. Collection method: clinical testing. Allele origin: germline.
Comment: The p.T126P variant (also known as c.376A>C), located in coding exon 2 of the TMEM127 gene, results from an A to C substitution at nucleotide position 376. The threonine at codon 126 is replaced by proline, an amino acid with highly similar properties. This amino acid position is conserved. In addition, this alteration is predicted to be deleterious by in silico analysis. Based on the available evidence, the clinical significance of this variant remains unclear.

NM_017849.4(TMEM127):c.376A>C (p.Thr126Pro)

Gene: TMEM127 (transmembrane protein 127; minus strand). Cytogenetic location: 2q11.2.
Variant type: single nucleotide variant.
Coding change: c.376A>C on transcript NM_017849.4 (MANE Select); coding-DNA position 376, A replaced by C.
Protein change: p.Thr126Pro; replaces threonine 126 with proline.
Molecular consequence: missense variant.
Genome position (GRCh38, 1-based): chr2:96,254,866, T>G on the plus strand (A>C on the coding strand, the complement: TMEM127 is on the minus strand). VCF-style: chr2-96254866-T-G. GRCh37 (hg19) VCF-style: chr2-96920604-T-G.
Other names: c.376A>C, p.Thr126Pro (NM_001193304.3); c.124A>C, p.Thr42Pro (NM_001407282.1, NM_001407283.1); short protein forms T126P, T42P.
Identifiers: ClinVar variation 4865730 (VCV004865730.1).